The following is an entry in ClinVar:

NM_198253.3(TERT):c.1769+225G>T

Gene: TERT (telomerase reverse transcriptase; minus strand). Cytogenetic location: 5p15.33.
Variant type: single nucleotide variant.
Coding change: c.1769+225G>T on transcript NM_198253.3 (MANE Select); 225 bases into the intron after coding-DNA position 1769, G replaced by T.
Molecular consequence: intron variant.
Genome position (GRCh38, 1-based): chr5:1,282,204, C>A on the plus strand (G>T on the coding strand, the complement: TERT is on the minus strand). VCF-style: chr5-1282204-C-A. GRCh37 (hg19) VCF-style: chr5-1282319-C-A.
Other names: c.1769+225G>T (NM_001193376.3).
Identifiers: ClinVar variation 225784 (VCV000225784.11), dbSNP rs7726159, ClinGen allele CA11993114.
Genomic context (GRCh38, chr5:1,282,204, plus strand): 5'-GAGGCTAGTGGTAGTGTTTCCATCTAATTTAAATCCCTTCTGCTTTACAAACCCTAGAGA[C>A]CACTTGGCACAAACTCCTGATTTTACAAGTAAGAGAACGTGAGCTCCAGGCAGTCAGAGC-3'

ClinVar aggregate classification (germline): Benign. Review status: criteria provided, multiple submitters, no conflicts (2 of 4 stars). 2 submissions from 2 submitters: Benign (2). Last evaluated 2026-02-02.

Conditions:
Dyskeratosis congenita, autosomal dominant 2. Identifiers: MedGen C3151443, MONDO:0013521, OMIM 613989.
Idiopathic Pulmonary Fibrosis. Also called: Idiopathic fibrosing alveolitis, chronic form; idiopathic fibrosing alveolitis. Identifiers: Orphanet 2032, MedGen C1800706, MeSH D054990, MONDO:0800504.

Allele frequency attached by ClinVar (database versions not stated): gnomAD 0.28907 and 0.29484; 1000 Genomes Project 30x 0.31433; 1000 Genomes Project 0.32348; TOPMed 0.28887.
gnomAD v4.1: 45,027 of 152,134 alleles (30%); highest among the groups gnomAD compares: Middle Eastern, 47%; 6,964 homozygotes.

Submissions (2):

Labcorp Genetics (formerly Invitae), Labcorp
Classification: Benign for Dyskeratosis congenita, autosomal dominant 2; Idiopathic Pulmonary Fibrosis. Last evaluated: 2026-02-02. Review status: criteria provided, single submitter. Criteria: Invitae Variant Classification Sherloc (09022015). Collection method: clinical testing. Allele origin: germline.

GeneDx
Classification: Benign. Last evaluated: 2018-09-14. Review status: criteria provided, single submitter. Criteria: GeneDx Variant Classification Process June 2021. Collection method: clinical testing. Allele origin: germline. Affected: yes.
Comment: This variant is associated with the following publications: (PMID: 30680798)